The following is an entry in ClinVar:

ClinVar aggregate classification (germline): Conflicting classifications of pathogenicity. Review status: criteria provided, conflicting classifications (1 of 4 stars). 3 submissions from 3 submitters: Uncertain significance (1); Likely benign (1). 1 of the submissions does not count toward it. Last evaluated 2020-07-18.

Conditions:
Wolfram syndrome 1 (WFS1). Identifiers: Orphanet 3463, MedGen C4551693, MONDO:0009101, OMIM 222300.

Submissions (3):

Genetic Services Laboratory, University of Chicago
Classification: Likely benign. Last evaluated: 2020-07-18. Review status: criteria provided, single submitter. Criteria: ACMG Guidelines, 2015. Collection method: clinical testing. Allele origin: germline. Affected: no.

Clinical Genomics, Uppaluri K&H Personalized Medicine Clinic
Classification: Uncertain significance for Wolfram syndrome 1. Review status: criteria provided, single submitter. Criteria: K & H Uppaluri Personalized Medicine Clinic Variant Classification & Assertion Criteria_Updated V.1. Collection method: research. Allele origin: unknown. Inheritance: Autosomal recessive inheritance.
Comment: Potent mutations in WFS1 gene are associated with Wolfram's syndrome, an autosomal recessive condition, which cause diabetes mellitus, diabetes insipidus, deafness and optic atrophy. However no sufficient evidence is found to ascertain the role of this particular variant rs1560422132 in Wolfram's syndrome yet.

Gharavi Laboratory, Columbia University
Classification: Uncertain significance. Last evaluated: 2018-09-16. Review status: no assertion criteria provided. Criteria: ACMG Guidelines, 2015. Collection method: research. Allele origin: germline. Affected: yes. Not counted in ClinVar's aggregate classification.

Literature cited by the submitters: PubMed 20738327 (cited by Clinical Genomics, Uppaluri K&H Personalized Medicine Clinic); PubMed 33879153 (cited by Clinical Genomics, Uppaluri K&H Personalized Medicine Clinic); PubMed 12955714 (cited by Clinical Genomics, Uppaluri K&H Personalized Medicine Clinic); PubMed 18060660 (cited by Clinical Genomics, Uppaluri K&H Personalized Medicine Clinic); PubMed 20301750 (cited by Clinical Genomics, Uppaluri K&H Personalized Medicine Clinic); PubMed 17603484 (cited by Clinical Genomics, Uppaluri K&H Personalized Medicine Clinic).

NM_006005.3(WFS1):c.2563_2565delinsCCG (p.Ser855Pro)

Gene: WFS1 (wolframin ER transmembrane glycoprotein; plus strand). Cytogenetic location: 4p16.1.
Variant type: Indel.
Coding change: c.2563_2565delinsCCG on transcript NM_006005.3 (MANE Select); coding-DNA positions 2563 to 2565, TCA replaced by CCG.
Protein change: p.Ser855Pro; replaces serine 855 with proline.
Molecular consequence: missense variant.
Genome position (GRCh38, 1-based): chr4:6,302,358-6,302,360, TCA replaced by CCG. VCF-style: chr4-6302358-TCA-CCG. GRCh37 (hg19) VCF-style: chr4-6304085-TCA-CCG.
Other names: c.2563_2565delinsCCG, p.Ser855Pro (NM_001145853.1); short protein forms S855P.
Identifiers: ClinVar variation 591341 (VCV000591341.6), dbSNP rs1560422132, ClinGen allele CA891862708.